The following is an entry in ClinVar:

NM_000089.4(COL1A2):c.2382G>A (p.Arg794=)

Gene: COL1A2 (collagen type I alpha 2 chain; plus strand). Cytogenetic location: 7q21.3.
Variant type: single nucleotide variant.
Coding change: c.2382G>A on transcript NM_000089.4 (MANE Select); coding-DNA position 2382, G replaced by A.
Protein change: p.Arg794=; no amino-acid change (arginine 794 retained).
Molecular consequence: synonymous variant.
Genome position (GRCh38, 1-based): chr7:94,421,931, G>A. VCF-style: chr7-94421931-G-A. GRCh37 (hg19) VCF-style: chr7-94051243-G-A.
Identifiers: ClinVar variation 669338 (VCV000669338.12), dbSNP rs754562962, ClinGen allele CA4347422.

ClinVar aggregate classification (germline): Likely benign. Review status: criteria provided, multiple submitters, no conflicts (2 of 4 stars). 3 submissions from 3 submitters: Likely benign (3). Last evaluated 2025-02-13.

Conditions:
Osteogenesis imperfecta type I (OI1). Also called: OI, TYPE I; OSTEOGENESIS IMPERFECTA TARDA; OSTEOGENESIS IMPERFECTA WITH BLUE SCLERAE; Osteogenesis imperfecta type 1; Classic Non-deforming Osteogenesis Imperfecta with Blue Sclerae; Lobstein's Disease. Identifiers: Orphanet 216796, Orphanet 666, MedGen C0023931, MONDO:0008146, OMIM 166200. Disease mechanism: loss of function.
Ehlers-Danlos syndrome, classic type, 1 (EDSCL1). Also called: EDS I; EHLERS-DANLOS SYNDROME, GRAVIS TYPE; EHLERS-DANLOS SYNDROME, SEVERE CLASSIC TYPE; Ehlers-Danlos Syndrome, Classic Type, COL5A1-Related; Ehlers-Danlos syndrome, type 1. Identifiers: MedGen C0268335, MONDO:0019567, OMIM 130000.
Cardiovascular phenotype. Identifiers: MedGen CN230736.

Allele frequency attached by ClinVar (database versions not stated): gnomAD 0.00001 and 0.00002; TOPMed 0.00003.

Submissions (3):

Labcorp Genetics (formerly Invitae), Labcorp
Classification: Likely benign for Osteogenesis imperfecta type I; Ehlers-Danlos syndrome, classic type, 1. Last evaluated: 2025-02-13. Review status: criteria provided, single submitter. Criteria: Invitae Variant Classification Sherloc (09022015). Collection method: clinical testing. Allele origin: germline.

Ambry Genetics
Classification: Likely benign for Cardiovascular phenotype. Last evaluated: 2020-12-07. Review status: criteria provided, single submitter. Criteria: Ambry Variant Classification Scheme 2023. Collection method: clinical testing. Allele origin: germline.

GeneDx
Classification: Likely benign. Last evaluated: 2018-06-06. Review status: criteria provided, single submitter. Criteria: GeneDx Variant Classification (06012015). Collection method: clinical testing. Allele origin: germline. Affected: yes.
Comment: This variant is considered likely benign or benign based on one or more of the following criteria: it is a conservative change, it occurs at a poorly conserved position in the protein, it is predicted to be benign by multiple in silico algorithms, and/or has population frequency not consistent with disease.